The following is an entry in ClinVar:

ClinVar aggregate classification (germline): Uncertain significance (1 of 4 stars; one submission).

Conditions:
Actin accumulation myopathy (CMYO2A). Also called: CONGENITAL MYOPATHY 2A, TYPICAL, AUTOSOMAL DOMINANT; Nemaline myopathy type 3; Myopathy, actin, congenital, with excess of thin myofilaments; Myopathy, actin, congenital, with cores; Nemaline myopathy 3, with intranuclear rods. Identifiers: Orphanet 98904, MedGen C3711389, MONDO:0008070, OMIM 161800.

Submission:

Labcorp Genetics (formerly Invitae), Labcorp
Classification: Uncertain significance for Actin accumulation myopathy. Last evaluated: 2024-09-14. Review status: criteria provided, single submitter. Criteria: Invitae Variant Classification Sherloc (09022015). Collection method: clinical testing. Allele origin: germline.
Comment: This sequence change replaces leucine, which is neutral and non-polar, with proline, which is neutral and non-polar, at codon 351 of the ACTA1 protein (p.Leu351Pro). This variant is not present in population databases (gnomAD no frequency). This variant has not been reported in the literature in individuals affected with ACTA1-related conditions. Invitae Evidence Modeling of protein sequence and biophysical properties (such as structural, functional, and spatial information, amino acid conservation, physicochemical variation, residue mobility, and thermodynamic stability) indicates that this missense variant is expected to disrupt ACTA1 protein function with a positive predictive value of 80%. In summary, the available evidence is currently insufficient to determine the role of this variant in disease. Therefore, it has been classified as a Variant of Uncertain Significance.

NM_001100.4(ACTA1):c.1052T>C (p.Leu351Pro)

Gene: ACTA1 (actin alpha 1, skeletal muscle; minus strand). Cytogenetic location: 1q42.13.
Variant type: single nucleotide variant.
Coding change: c.1052T>C on transcript NM_001100.4 (MANE Select); coding-DNA position 1052, T replaced by C.
Protein change: p.Leu351Pro; replaces leucine 351 with proline.
Molecular consequence: missense variant.
Genome position (GRCh38, 1-based): chr1:229,431,581, A>G on the plus strand (T>C on the coding strand, the complement: ACTA1 is on the minus strand). VCF-style: chr1-229431581-A-G. GRCh37 (hg19) VCF-style: chr1-229567328-A-G.
Other names: short protein forms L351P.
Identifiers: ClinVar variation 3717520 (VCV003717520.2).